The following is an entry in ClinVar:

ClinVar aggregate classification (germline): Benign/Likely benign. Review status: criteria provided, multiple submitters, no conflicts (2 of 4 stars). 2 submissions from 2 submitters: Benign (1); Likely benign (1). Last evaluated 2025-12-30.

Allele frequency attached by ClinVar (database versions not stated): gnomAD 0.00006 and 0.00107; ExAC 0.01560; TOPMed 0.00022; gnomAD exomes 0.00203 and 0.00526; 1000 Genomes Project 0.00639; 1000 Genomes Project 30x 0.00656.
gnomAD v4.1: 2,817 of 1,471,666 alleles (0.19%); highest among the groups gnomAD compares: South Asian, 3.3%; 73 homozygotes.

Submissions (2):

Labcorp Genetics (formerly Invitae), Labcorp
Classification: Benign. Last evaluated: 2025-12-30. Review status: criteria provided, single submitter. Criteria: Invitae Variant Classification Sherloc (09022015). Collection method: clinical testing. Allele origin: germline.

GeneDx
Classification: Likely benign. Last evaluated: 2021-10-30. Review status: criteria provided, single submitter. Criteria: GeneDx Variant Classification Process June 2021. Collection method: clinical testing. Allele origin: germline. Affected: yes.
Comment: See Variant Classification Assertion Criteria.

NM_000718.4(CACNA1B):c.6025A>T (p.Thr2009Ser)

Gene: CACNA1B (calcium voltage-gated channel subunit alpha1 B; plus strand). Cytogenetic location: 9q34.3.
Variant type: single nucleotide variant.
Coding change: c.6025A>T on transcript NM_000718.4 (MANE Select); coding-DNA position 6025, A replaced by T.
Protein change: p.Thr2009Ser; replaces threonine 2009 with serine.
Molecular consequence: missense variant.
Genome position (GRCh38, 1-based): chr9:138,118,763, A>T. VCF-style: chr9-138118763-A-T. GRCh37 (hg19) VCF-style: chr9-141013215-A-T.
Other names: c.6025A>T, p.Thr2009Ser (NM_001243812.2); short protein forms T2009S.
Identifiers: ClinVar variation 1683883 (VCV001683883.7), dbSNP rs201936500, ClinGen allele CA5377573.